The following is an entry in ClinVar:

NM_031263.4(HNRNPK):c.195T>G (p.Ile65Met)

Gene: HNRNPK (heterogeneous nuclear ribonucleoprotein K; minus strand). Cytogenetic location: 9q21.32.
Variant type: single nucleotide variant.
Coding change: c.195T>G on transcript NM_031263.4 (MANE Select); coding-DNA position 195, T replaced by G.
Protein change: p.Ile65Met; replaces isoleucine 65 with methionine.
Molecular consequence: missense variant.
Genome position (GRCh38, 1-based): chr9:83,977,013, A>C on the plus strand (T>G on the coding strand, the complement: HNRNPK is on the minus strand). VCF-style: chr9-83977013-A-C. GRCh37 (hg19) VCF-style: chr9-86591928-A-C.
Other names: c.195T>G, p.Ile65Met (NM_001318186.2, NM_001318187.2, NM_001318188.2 and 2 more transcripts); short protein forms I65M.
Identifiers: ClinVar variation 4279890 (VCV004279890.1).

ClinVar aggregate classification (germline): Uncertain significance (1 of 4 stars; one submission).

Conditions:
Au-Kline syndrome. Also called: Neurodevelopmental disorder-craniofacial dysmorphism-cardiac defect-hip dysplasia syndrome due to a point mutation; Okamoto syndrome. Identifiers: Orphanet 2729, Orphanet 453499, Orphanet 453504, MedGen C4225274, MONDO:0014700, OMIM 616580.

Submission:

Clinical Genomics Laboratory, Washington University in St. Louis
Classification: Uncertain significance for Au-Kline syndrome. Last evaluated: 2025-08-10. Review status: criteria provided, single submitter. Criteria: ACMG Guidelines, 2015. Collection method: clinical testing. Allele origin: germline.
Comment: The HNRNPK c.195T>G (p.Ile65Met) variant, to our knowledge, has not been reported in the medical literature. This variant is absent from the general population (gnomAD v.4.1.0), indicating it is not a common variant. Computational predictors indicate that the variant is damaging, evidence that correlates with impact to HNRNPK function. Due to limited information, and based on ACMG/AMP guidelines for variant interpretation (Richards S et al., PMID: 25741868), the clinical significance of this variant is uncertain at this time.